The following is an entry in ClinVar:

ClinVar aggregate classification (germline): Uncertain significance (1 of 4 stars; one submission).

Conditions:
Fanconi anemia (FA). Also called: Fanconi's anemia. Identifiers: Orphanet 84, MedGen C0015625, MeSH D005199, MONDO:0019391.

Allele frequency attached by ClinVar (database versions not stated): gnomAD exomes below 0.00001 and 0.00001; TOPMed 0.00001.
gnomAD v4.1: 2 of 1,551,520 alleles (0.00013%); highest among the groups gnomAD compares: South Asian, 0.0024%; no homozygotes.

Submission:

Labcorp Genetics (formerly Invitae), Labcorp
Classification: Uncertain significance for Fanconi anemia. Last evaluated: 2021-03-06. Review status: criteria provided, single submitter. Criteria: Invitae Variant Classification Sherloc (09022015). Collection method: clinical testing. Allele origin: germline.
Comment: This sequence change falls in intron 40 of the FANCA gene. It does not directly change the encoded amino acid sequence of the FANCA protein. It affects a nucleotide within the consensus splice site of the intron. This variant is not present in population databases (ExAC no frequency). This variant has not been reported in the literature in individuals with FANCA-related conditions. Nucleotide substitutions within the consensus splice site are a relatively common cause of aberrant splicing (PMID: 17576681, 9536098). Algorithms developed to predict the effect of sequence changes on RNA splicing suggest that this variant is not likely to affect RNA splicing, but this prediction has not been confirmed by published transcriptional studies. In summary, the available evidence is currently insufficient to determine the role of this variant in disease. Therefore, it has been classified as a Variant of Uncertain Significance.

Literature cited by the submitters: PubMed 17576681; PubMed 9536098.

NM_000135.4(FANCA):c.4010+4C>T

Genes: FANCA (FA complementation group A; minus strand), ZNF276 (zinc finger protein 276; plus strand). Cytogenetic location: 16q24.3.
Variant type: single nucleotide variant.
Coding change: c.4010+4C>T on transcript NM_000135.4 (MANE Select); 4 bases into the intron after coding-DNA position 4010, C replaced by T.
Molecular consequence: intron variant. On other transcripts: 3 prime UTR variant (2), non-coding transcript variant (4).
Genome position (GRCh38, 1-based): chr16:89,739,474, G>A on the plus strand (C>T on the coding strand, the complement: FANCA is on the minus strand). VCF-style: chr16-89739474-G-A. GRCh37 (hg19) VCF-style: chr16-89805882-G-A.
Other names: c.*1228G>A (NM_001113525.2, NM_152287.4); c.4010+4C>T (NM_001286167.3).
Identifiers: ClinVar variation 1387832 (VCV001387832.3), dbSNP rs1206285832, ClinGen allele CA624454454.